The following is an entry in ClinVar:

NM_003489.4(NRIP1):c.2839C>T (p.Arg947Ter)

Gene: NRIP1 (nuclear receptor interacting protein 1; minus strand). Cytogenetic location: 21q11.2.
Variant type: single nucleotide variant.
Coding change: c.2839C>T on transcript NM_003489.4 (MANE Select); coding-DNA position 2839, C replaced by T.
Protein change: p.Arg947Ter; replaces arginine 947 with a stop codon.
Molecular consequence: nonsense.
Genome position (GRCh38, 1-based): chr21:14,965,354, G>A on the plus strand (C>T on the coding strand, the complement: NRIP1 is on the minus strand). VCF-style: chr21-14965354-G-A. GRCh37 (hg19) VCF-style: chr21-16337675-G-A.
Other names: c.2839C>T, p.Arg947Ter (NM_001439277.1, NM_001439278.1, NM_001439279.1 and 10 more transcripts); short protein forms R947*.
Identifiers: ClinVar variation 4857254 (VCV004857254.1).

ClinVar aggregate classification (germline): Uncertain significance (1 of 4 stars; one submission).

Conditions:
Congenital anomalies of kidney and urinary tract 3. Identifiers: MedGen C4748921, MONDO:0032646, OMIM 618270.

gnomAD v4.1: 3 of 1,613,928 alleles (0.00019%); highest among the groups gnomAD compares: Non-Finnish European, 0.00017%; no homozygotes.

Submission:

MVZ Medizinische Genetik Mainz
Classification: Uncertain significance for Congenital anomalies of kidney and urinary tract 3. Last evaluated: 2026-06-08. Review status: criteria provided, single submitter. Criteria: UK Practice Guidelines For Variant Classification V4 01 2020. Collection method: clinical testing. Allele origin: germline. Inheritance: Autosomal dominant inheritance. Affected: yes. Observed: 1 variant allele.
Comment: ACMG Criteria: PVS1_SUP,PM2_SUP